The following is an entry in ClinVar:

ClinVar aggregate classification (germline): Uncertain significance. Review status: criteria provided, multiple submitters, no conflicts (2 of 4 stars). 2 submissions from 2 submitters: Uncertain significance (2). Last evaluated 2025-12-29.

Conditions:
Long QT syndrome (LQTS). Identifiers: MedGen C0023976, MeSH D008133, MONDO:0002442. Disease mechanism: loss of function. Inheritance: Various modes of inheritance.

Submissions (2):

Labcorp Genetics (formerly Invitae), Labcorp
Classification: Uncertain significance for Long QT syndrome. Last evaluated: 2025-12-29. Review status: criteria provided, single submitter. Criteria: Invitae Variant Classification Sherloc (09022015). Collection method: clinical testing. Allele origin: germline.
Comment: This sequence change replaces leucine, which is neutral and non-polar, with serine, which is neutral and polar, at codon 2604 of the AKAP9 protein (p.Leu2604Ser). This variant is not present in population databases (gnomAD no frequency). This variant has not been reported in the literature in individuals affected with AKAP9-related conditions. ClinVar contains an entry for this variant (Variation ID: 1343613). An algorithm developed to predict the effect of missense changes on protein structure and function (PolyPhen-2) suggests that this variant is likely to be disruptive. In summary, the available evidence is currently insufficient to determine the role of this variant in disease. Therefore, it has been classified as a Variant of Uncertain Significance.

Women's Health and Genetics/Laboratory Corporation of America, LabCorp
Classification: Uncertain significance. Last evaluated: 2022-02-12. Review status: criteria provided, single submitter. Criteria: LabCorp Variant Classification Summary - May 2015. Collection method: clinical testing. Allele origin: germline.

NM_005751.5(AKAP9):c.7811T>C (p.Leu2604Ser)

Gene: AKAP9 (A-kinase anchoring protein 9; plus strand). Cytogenetic location: 7q21.2.
Variant type: single nucleotide variant.
Coding change: c.7811T>C on transcript NM_005751.5 (MANE Select); coding-DNA position 7811, T replaced by C.
Protein change: p.Leu2604Ser; replaces leucine 2604 with serine.
Molecular consequence: missense variant.
Genome position (GRCh38, 1-based): chr7:92,079,944, T>C. VCF-style: chr7-92079944-T-C. GRCh37 (hg19) VCF-style: chr7-91709258-T-C.
Other names: c.2456T>C, p.Leu819Ser (NM_001379277.1); c.7787T>C, p.Leu2596Ser (NM_147185.3); short protein forms L2596S, L2604S, L819S.
Identifiers: ClinVar variation 1343613 (VCV001343613.3), dbSNP rs1563104824, ClinGen allele CA368136566.